The following is an entry in ClinVar:

ClinVar aggregate classification (germline): Pathogenic (1 of 4 stars; one submission).

Conditions:
Spastic paraplegia. Identifiers: MedGen C0037772, HP:0001258.

Submission:

Labcorp Genetics (formerly Invitae), Labcorp
Classification: Pathogenic for Spastic paraplegia. Last evaluated: 2019-03-30. Review status: criteria provided, single submitter. Criteria: Invitae Variant Classification Sherloc (09022015). Collection method: clinical testing. Allele origin: germline.
Comment: For these reasons, this variant has been classified as Pathogenic. Loss-of-function variants in ZFYVE26 are known to be pathogenic (PMID: 18394578, 19805727). This variant has not been reported in the literature in individuals with ZFYVE26-related conditions. This variant is not present in population databases (ExAC no frequency). This sequence change creates a premature translational stop signal (p.Ser1787Valfs*55) in the ZFYVE26 gene. It is expected to result in an absent or disrupted protein product.

Literature cited by the submitters: PubMed 18394578; PubMed 19805727.

NM_015346.4(ZFYVE26):c.5358del (p.Ser1787fs)

Gene: ZFYVE26 (zinc finger FYVE-type containing 26; minus strand). Cytogenetic location: 14q24.1.
Variant type: Deletion.
Coding change: c.5358del on transcript NM_015346.4 (MANE Select); coding-DNA position 5358, one base deleted (G; older notation c.5358delG).
Protein change: p.Ser1787fs; shifts the reading frame from serine 1787.
Molecular consequence: frameshift variant.
Genome position (GRCh38, 1-based): chr14:67,772,173, C deleted on the plus strand (G on the coding strand, the reverse complement: ZFYVE26 is on the minus strand); the first of 2 consecutive C bases (chr14:67,772,173-67,772,174); deleting either gives the same sequence. VCF-style (leftmost placement, unchanged base first): chr14-67772172-TC-T. GRCh37 (hg19) VCF-style: chr14-68238889-TC-T.
Other names: short protein forms S1787fs.
Identifiers: ClinVar variation 834821 (VCV000834821.7), dbSNP rs2039228359, ClinGen allele CA916083381.